The following is an entry in ClinVar:

ClinVar aggregate classification (germline): Uncertain significance. Review status: criteria provided, single submitter (1 of 4 stars). 2 submissions from 2 submitters: Uncertain significance (1). 1 of the submissions does not count toward it. Last evaluated 2025-07-27.

Conditions:
Dystrophin deficiency.
Cardiomyopathy (CMYO). Also called: Cardiomyopathies. Identifiers: Orphanet 167848, MedGen C0878544, MONDO:0004994, HP:0001638. Inheritance: Various modes of inheritance.
Becker muscular dystrophy (BMD). Also called: Becker Muscular Dystrophy (BMD); MUSCULAR DYSTROPHY, PSEUDOHYPERTROPHIC PROGRESSIVE, BECKER TYPE. Identifiers: Orphanet 98895, MedGen C0917713, MONDO:0010311, OMIM 300376.
Duchenne muscular dystrophy (DMD). Also called: Duchenne Muscular Dystrophy (DMD); MUSCULAR DYSTROPHY, PSEUDOHYPERTROPHIC PROGRESSIVE, DUCHENNE TYPE. Identifiers: Orphanet 98896, MedGen C0013264, MONDO:0010679, OMIM 310200.

gnomAD v4.1: 2 of 1,209,364 alleles (0.00017%); no homozygotes.

Submissions (2):

Labcorp Genetics (formerly Invitae), Labcorp
Classification: Uncertain significance for Duchenne muscular dystrophy. Last evaluated: 2025-07-27. Review status: criteria provided, single submitter. Criteria: Invitae Variant Classification Sherloc (09022015). Collection method: clinical testing. Allele origin: germline.
Comment: This sequence change replaces serine, which is neutral and polar, with asparagine, which is neutral and polar, at codon 244 of the DMD protein (p.Ser244Asn). This variant is not present in population databases (gnomAD no frequency). This variant has not been reported in the literature in individuals affected with DMD-related conditions. ClinVar contains an entry for this variant (Variation ID: 526065). Invitae Evidence Modeling of protein sequence and biophysical properties (such as structural, functional, and spatial information, amino acid conservation, physicochemical variation, residue mobility, and thermodynamic stability) indicates that this missense variant is not expected to disrupt DMD protein function with a negative predictive value of 95%. In summary, the available evidence is currently insufficient to determine the role of this variant in disease. Therefore, it has been classified as a Variant of Uncertain Significance.

Natera, Inc.
Classification: Uncertain significance for Becker muscular dystrophy; Cardiomyopathy; Duchenne muscular dystrophy; Dystrophin deficiency. Last evaluated: 2019-04-16. Review status: no assertion criteria provided. Collection method: clinical testing. Allele origin: germline. Not counted in ClinVar's aggregate classification.

NM_004006.3(DMD):c.731G>A (p.Ser244Asn)

Gene: DMD (dystrophin; minus strand). Cytogenetic location: Xp21.1.
Variant type: single nucleotide variant.
Coding change: c.731G>A on transcript NM_004006.3 (MANE Select); coding-DNA position 731, G replaced by A.
Protein change: p.Ser244Asn; replaces serine 244 with asparagine.
Molecular consequence: missense variant.
Genome position (GRCh38, 1-based): chrX:32,699,212, C>T on the plus strand (G>A on the coding strand, the complement: DMD is on the minus strand). VCF-style: chrX-32699212-C-T. GRCh37 (hg19) VCF-style: chrX-32717329-C-T.
Other names: c.707G>A, p.Ser236Asn (NM_000109.4); c.719G>A, p.Ser240Asn (NM_004009.3); c.362G>A, p.Ser121Asn (NM_004010.3); short protein forms S244N, S236N, S240N, S121N.
Identifiers: ClinVar variation 526065 (VCV000526065.8), dbSNP rs751368412, ClinGen allele CA328553822.